The following is an entry in ClinVar:

ClinVar aggregate classification (germline): Conflicting classifications of pathogenicity. Review status: criteria provided, conflicting classifications (1 of 4 stars). 6 submissions from 6 submitters: Uncertain significance (2); Likely benign (4). Last evaluated 2026-06-24.

Conditions:
Epidermolysis bullosa simplex, Ogna type (EBS5A). Also called: Pidermolysis bullosa simplex 5A, Ogna type; EPIDERMOLYSIS BULLOSA SIMPLEX 5A, OGNA TYPE. Identifiers: Orphanet 79401, MedGen C0432317, MONDO:0007555, OMIM 131950.
Epidermolysis bullosa simplex with nail dystrophy (EBS5D). Identifiers: MedGen C4225309, MONDO:0014661, OMIM 616487.
Autosomal recessive limb-girdle muscular dystrophy type 2Q (LGMDR17). Also called: MUSCULAR DYSTROPHY, LIMB-GIRDLE, AUTOSOMAL RECESSIVE 17. Identifiers: Orphanet 254361, MedGen C3150989, MONDO:0013390, OMIM 613723.
Epidermolysis bullosa simplex 5C, with pyloric atresia (EBS5C). Also called: Epidermolysis bullosa simplex with pyloric atresia; PLEC1-Related Epidermolysis Bullosa with Pyloric Atresia; PLEC-Related Epidermolysis Bullosa with Pyloric Atresia. Identifiers: Orphanet 158684, MedGen C2677349, MONDO:0012807, OMIM 612138.
Epidermolysis bullosa simplex 5B, with muscular dystrophy (EBS5B). Also called: Epidermolysis bullosa simplex with muscular dystrophy; EPIDERMOLYSIS BULLOSA SIMPLEX AND LIMB-GIRDLE MUSCULAR DYSTROPHY. Identifiers: Orphanet 257, MedGen C2931072, MONDO:0009181, OMIM 226670.
PLEC-related disorder. Also called: PLEC-related disorders; PLEC-related condition.

Allele frequency attached by ClinVar (database versions not stated): gnomAD exomes 0.00004 and 0.00006; ExAC 0.00005; gnomAD 0.00010 and 0.00011; ESP Exome Variant Server 0.00016; TOPMed 0.00020.
gnomAD v4.1: 75 of 1,611,100 alleles (0.0047%); highest among the groups gnomAD compares: African/African-American, 0.037%; no homozygotes.

Submissions (6):

PreventionGenetics, part of Exact Sciences
Classification: Likely benign for PLEC-related condition. Last evaluated: 2026-06-24. Review status: criteria provided, single submitter. Criteria: ACMG Guidelines, 2015. Collection method: clinical testing. Allele origin: germline.
Comment: This variant is classified as likely benign based on ACMG/AMP sequence variant interpretation guidelines (Richards et al. 2015 PMID: 25741868, with internal and published modifications).

Labcorp Genetics (formerly Invitae), Labcorp
Classification: Likely benign for Autosomal recessive limb-girdle muscular dystrophy type 2Q; Epidermolysis bullosa simplex, Ogna type; Epidermolysis bullosa simplex with nail dystrophy; Epidermolysis bullosa simplex 5C, with pyloric atresia; Epidermolysis bullosa simplex 5B, with muscular dystrophy. Last evaluated: 2025-07-05. Review status: criteria provided, single submitter. Criteria: Invitae Variant Classification Sherloc (09022015). Collection method: clinical testing. Allele origin: germline.

Revvity Omics, Revvity
Classification: Likely benign. Last evaluated: 2024-12-09. Review status: criteria provided, single submitter. Criteria: ACMG Guidelines, 2015. Collection method: clinical testing. Allele origin: germline.

CeGaT Center for Human Genetics Tuebingen
Classification: Likely benign. Last evaluated: 2022-08-01. Review status: criteria provided, single submitter. Criteria: CeGaT Center For Human Genetics Tuebingen Variant Classification Criteria Version 2. Collection method: clinical testing. Allele origin: germline. Affected: yes. Observed: 1 variant allele.
Comment: PLEC: BP4, BP7

Eurofins Ntd Llc (ga)
Classification: Uncertain significance. Last evaluated: 2015-09-16. Review status: criteria provided, single submitter. Criteria: EGL Classification Definitions 2015. Collection method: clinical testing. Allele origin: germline. Observed: 2 variant alleles, 2 heterozygotes.

Breakthrough Genomics
Classification: Uncertain significance. Review status: criteria provided, single submitter. Criteria: ACMG Guidelines, 2015. Collection method: not provided. Allele origin: germline. Inheritance: Autosomal recessive inheritance. Affected: yes.

NM_201384.3(PLEC):c.10743C>T (p.Gly3581=)

Gene: PLEC (plectin; minus strand). Cytogenetic location: 8q24.3.
Variant type: single nucleotide variant.
Coding change: c.10743C>T on transcript NM_201384.3 (MANE Select); coding-DNA position 10743, C replaced by T.
Protein change: p.Gly3581=; no amino-acid change (glycine 3581 retained).
Molecular consequence: synonymous variant.
Genome position (GRCh38, 1-based): chr8:143,919,078, G>A on the plus strand (C>T on the coding strand, the complement: PLEC is on the minus strand). VCF-style: chr8-143919078-G-A. GRCh37 (hg19) VCF-style: chr8-144993246-G-A.
Other names: c.10824C>T, p.Gly3608= (NM_000445.5); c.10701C>T, p.Gly3567= (NM_201378.4); c.10677C>T, p.Gly3559= (NM_201379.3); c.11154C>T, p.Gly3718= (NM_201380.4); c.10647C>T, p.Gly3549= (NM_201381.3); c.10743C>T, p.Gly3581= (NM_201382.4); c.10755C>T, p.Gly3585= (NM_201383.3); c.10824C>T (NM_000445.3).
Identifiers: ClinVar variation 282781 (VCV000282781.43), dbSNP rs375573910, ClinGen allele CA4924543.